The following is an entry in ClinVar:

NM_012470.4(TNPO3):c.1906A>G (p.Lys636Glu)

Gene: TNPO3 (transportin 3; minus strand). Cytogenetic location: 7q32.1.
Variant type: single nucleotide variant.
Coding change: c.1906A>G on transcript NM_012470.4 (MANE Select); coding-DNA position 1906, A replaced by G.
Protein change: p.Lys636Glu; replaces lysine 636 with glutamic acid.
Molecular consequence: missense variant. On other transcripts: non-coding transcript variant (14).
Genome position (GRCh38, 1-based): chr7:128,979,985, T>C on the plus strand (A>G on the coding strand, the complement: TNPO3 is on the minus strand). VCF-style: chr7-128979985-T-C. GRCh37 (hg19) VCF-style: chr7-128620039-T-C.
Other names: c.1714A>G, p.Lys572Glu (NM_001191028.3, NM_001382223.1); c.2008A>G, p.Lys670Glu (NM_001382216.1); c.1987A>G, p.Lys663Glu (NM_001382217.1); c.1906A>G, p.Lys636Glu (NM_001382218.1, NM_001382220.1); c.1798A>G, p.Lys600Glu (NM_001382219.1); c.1762A>G, p.Lys588Glu (NM_001382221.1); c.1759A>G, p.Lys587Glu (NM_001382222.1); short protein forms K588E, K670E, K572E, K600E, K587E, K636E, K663E.
Identifiers: ClinVar variation 1505447 (VCV001505447.8), dbSNP rs2129004629, ClinGen allele CA369222360.
Genomic context (GRCh38, chr7:128,979,985, plus strand): 5'-AAAAAAGAAGCAAGCCTTGATTCCACAAGCATCCATTAGCACTTACTTCCTGTATGACTT[T>C]CTGACACGGATGAGTCTGTCCATTTTCCACAATGGGATTGGTATGCCTGGGAAAAGACAA-3'
Protein context (NP_036602.1, residues 626-646): VENGQTHPCQ[Lys636Glu]VIQEIWPVLS

ClinVar aggregate classification (germline): Uncertain significance (1 of 4 stars; one submission).

Conditions:
Autosomal dominant limb-girdle muscular dystrophy type 1F (LGMDD2). Also called: MUSCULAR DYSTROPHY, LIMB-GIRDLE, AUTOSOMAL DOMINANT 2; Limb-girdle muscular dystrophy, type 1F. Identifiers: Orphanet 55595, MedGen C1842062, MONDO:0012034, OMIM 608423.

Submission:

Labcorp Genetics (formerly Invitae), Labcorp
Classification: Uncertain significance for Autosomal dominant limb-girdle muscular dystrophy type 1F. Last evaluated: 2020-12-03. Review status: criteria provided, single submitter. Criteria: Invitae Variant Classification Sherloc (09022015). Collection method: clinical testing. Allele origin: germline.
Comment: This sequence change replaces lysine with glutamic acid at codon 636 of the TNPO3 protein (p.Lys636Glu). The lysine residue is moderately conserved and there is a small physicochemical difference between lysine and glutamic acid. This variant is not present in population databases (ExAC no frequency). This variant has not been reported in the literature in individuals with TNPO3-related conditions. Algorithms developed to predict the effect of missense changes on protein structure and function (SIFT, PolyPhen-2, Align-GVGD) all suggest that this variant is likely to be tolerated, but these predictions have not been confirmed by published functional studies and their clinical significance is uncertain. In summary, the available evidence is currently insufficient to determine the role of this variant in disease. Therefore, it has been classified as a Variant of Uncertain Significance.